The following is an entry in ClinVar:

NM_002470.4(MYH3):c.3968A>C (p.Glu1323Ala)

Gene: MYH3 (myosin heavy chain 3; minus strand). Cytogenetic location: 17p13.1.
Variant type: single nucleotide variant.
Coding change: c.3968A>C on transcript NM_002470.4 (MANE Select); coding-DNA position 3968, A replaced by C.
Protein change: p.Glu1323Ala; replaces glutamic acid 1323 with alanine.
Molecular consequence: missense variant.
Genome position (GRCh38, 1-based): chr17:10,635,742, T>G on the plus strand (A>C on the coding strand, the complement: MYH3 is on the minus strand). VCF-style: chr17-10635742-T-G. GRCh37 (hg19) VCF-style: chr17-10539059-T-G.
Other names: short protein forms E1323A.
Identifiers: ClinVar variation 2972685 (VCV002972685.3), dbSNP rs756854121, ClinGen allele CA8392357.

ClinVar aggregate classification (germline): Uncertain significance (1 of 4 stars; one submission).

Allele frequency attached by ClinVar (database versions not stated): ExAC 0.00001; TOPMed 0.00001.
gnomAD v4.1: 5 of 1,614,020 alleles (0.00031%); highest among the groups gnomAD compares: Admixed American, 0.0083%; no homozygotes.

Submission:

Labcorp Genetics (formerly Invitae), Labcorp
Classification: Uncertain significance. Last evaluated: 2024-05-13. Review status: criteria provided, single submitter. Criteria: Invitae Variant Classification Sherloc (09022015). Collection method: clinical testing. Allele origin: germline.
Comment: This sequence change replaces glutamic acid, which is acidic and polar, with alanine, which is neutral and non-polar, at codon 1323 of the MYH3 protein (p.Glu1323Ala). This variant is present in population databases (rs756854121, gnomAD 0.006%). This variant has not been reported in the literature in individuals affected with MYH3-related conditions. Advanced modeling of protein sequence and biophysical properties (such as structural, functional, and spatial information, amino acid conservation, physicochemical variation, residue mobility, and thermodynamic stability) performed at Invitae indicates that this missense variant is not expected to disrupt MYH3 protein function with a negative predictive value of 95%. In summary, the available evidence is currently insufficient to determine the role of this variant in disease. Therefore, it has been classified as a Variant of Uncertain Significance.